The following is an entry in ClinVar:

NM_012388.4(BLOC1S6):c.142G>T (p.Ala48Ser)

Gene: BLOC1S6 (biogenesis of lysosomal organelles complex 1 subunit 6; plus strand). Cytogenetic location: 15q21.1.
Variant type: single nucleotide variant.
Coding change: c.142G>T on transcript NM_012388.4 (MANE Select); coding-DNA position 142, G replaced by T.
Protein change: p.Ala48Ser; replaces alanine 48 with serine.
Molecular consequence: missense variant. On other transcripts: non-coding transcript variant (5).
Genome position (GRCh38, 1-based): chr15:45,592,194, G>T. VCF-style: chr15-45592194-G-T. GRCh37 (hg19) VCF-style: chr15-45884392-G-T.
Other names: c.157G>T, p.Ala53Ser (NM_001311255.1, NM_001311256.1); short protein forms A48S, A53S.
Identifiers: ClinVar variation 1427493 (VCV001427493.4), dbSNP rs200204287, ClinGen allele CA270014606.
Genomic context (GRCh38, chr15:45,592,194, plus strand): 5'-GGTTTAAGTGACACTTCTCCAGATGAAGGGTTAATAGAGGACTTGACTATAGAAGACAAA[G>T]CAGTGGAGCAACTGGCAGAAGGATTGCTTTCTCATTATTTGCCAGATCTGCAGAGATCAA-3'
Protein context (NP_036520.1, residues 38-58): LIEDLTIEDK[Ala48Ser]VEQLAEGLLS

ClinVar aggregate classification (germline): Uncertain significance (1 of 4 stars; one submission).

Conditions:
Hermansky-Pudlak syndrome 9 (HPS9). Identifiers: Orphanet 280663, Orphanet 79430, MedGen C3280026, MONDO:0013606, OMIM 614171.

Allele frequency attached by ClinVar (database versions not stated): gnomAD exomes below 0.00001 and 0.00004; TOPMed 0.00001; gnomAD 0.00002.
gnomAD v4.1: 60 of 1,614,018 alleles (0.0037%); highest among the groups gnomAD compares: Non-Finnish European, 0.0047%; no homozygotes.

Submission:

Labcorp Genetics (formerly Invitae), Labcorp
Classification: Uncertain significance for Hermansky-Pudlak syndrome 9. Last evaluated: 2022-07-19. Review status: criteria provided, single submitter. Criteria: Invitae Variant Classification Sherloc (09022015). Collection method: clinical testing. Allele origin: germline.
Comment: This sequence change replaces alanine, which is neutral and non-polar, with serine, which is neutral and polar, at codon 48 of the BLOC1S6 protein (p.Ala48Ser). This variant is present in population databases (rs200204287, gnomAD 0.002%). This variant has not been reported in the literature in individuals affected with BLOC1S6-related conditions. ClinVar contains an entry for this variant (Variation ID: 1427493). Algorithms developed to predict the effect of missense changes on protein structure and function are either unavailable or do not agree on the potential impact of this missense change (SIFT: "Tolerated"; PolyPhen-2: "Probably Damaging"; Align-GVGD: "Class C0"). In summary, the available evidence is currently insufficient to determine the role of this variant in disease. Therefore, it has been classified as a Variant of Uncertain Significance.